The following is an entry in ClinVar:

NM_021625.5(TRPV4):c.1957A>G (p.Thr653Ala)

Gene: TRPV4 (transient receptor potential cation channel subfamily V member 4; minus strand). Cytogenetic location: 12q24.11.
Variant type: single nucleotide variant.
Coding change: c.1957A>G on transcript NM_021625.5 (MANE Select); coding-DNA position 1957, A replaced by G.
Protein change: p.Thr653Ala; replaces threonine 653 with alanine.
Molecular consequence: missense variant.
Genome position (GRCh38, 1-based): chr12:109,788,651, T>C on the plus strand (A>G on the coding strand, the complement: TRPV4 is on the minus strand). VCF-style: chr12-109788651-T-C. GRCh37 (hg19) VCF-style: chr12-110226456-T-C.
Other names: c.1777A>G, p.Thr593Ala (NM_147204.3); c.1816A>G, p.Thr606Ala (NM_001177428.2); c.1855A>G, p.Thr619Ala (NM_001177431.2); c.1636A>G, p.Thr546Ala (NM_001177433.2); short protein forms T653A, T593A, T546A, T619A, T606A.
Identifiers: ClinVar variation 409289 (VCV000409289.8), dbSNP rs769927678, ClinGen allele CA6780043.
Genomic context (GRCh38, chr12:109,788,651, plus strand): 5'-GGTCCAGGAGGAAGGTGCTGAAGGTCTCGCTGTCACGGCACGAGGGGTAAGTGGGCACTG[T>C]GCAGTTGGTCTGGTCCTCATTGCACACCTTCATGTTGGCACACGGGTTCAGGAGGGAGAC-3'
Protein context (NP_067638.3, residues 643-663): KVCNEDQTNC[Thr653Ala]VPTYPSCRDS

ClinVar aggregate classification (germline): Uncertain significance (1 of 4 stars; one submission).

Conditions:
Charcot-Marie-Tooth disease axonal type 2C (HMSN2C). Also called: Charcot-Marie-Tooth Disease Type 2, TRPV4-Related (CMT2C); CHARCOT-MARIE-TOOTH DISEASE, AXONAL, AUTOSOMAL DOMINANT, TYPE 2C; Charcot-Marie-Tooth Neuropathy Type 2C. Identifiers: Orphanet 99937, MedGen C1853710, MONDO:0011633, OMIM 606071.

Allele frequency attached by ClinVar (database versions not stated): gnomAD exomes below 0.00001; ExAC 0.00001; TOPMed 0.00001.
gnomAD v4.1: 2 of 1,614,192 alleles (0.00012%); highest among the groups gnomAD compares: East Asian, 0.0022%; no homozygotes.

Submission:

Labcorp Genetics (formerly Invitae), Labcorp
Classification: Uncertain significance for Charcot-Marie-Tooth disease axonal type 2C. Last evaluated: 2017-01-10. Review status: criteria provided, single submitter. Criteria: Invitae Variant Classification Sherloc (09022015). Collection method: clinical testing. Allele origin: germline.
Comment: This sequence change replaces threonine with alanine at codon 653 of the TRPV4 protein (p.Thr653Ala). The threonine residue is moderately conserved and there is a small physicochemical difference between threonine and alanine. This variant is present in population databases (rs769927678, ExAC 0.01%) but has not been reported in the literature in individuals with a TRPV4-related disease. Algorithms developed to predict the effect of missense changes on protein structure and function (SIFT, PolyPhen-2, Align-GVGD) all suggest that this variant is likely to be tolerated, but these predictions have not been confirmed by published functional studies. In summary, this variant is a rare missense change that is not predicted to affect protein function. There is no indication that it causes disease, but the available evidence is currently insufficient to prove that conclusively. Therefore, it has been classified as a Variant of Uncertain Significance.